The following is an entry in ClinVar:

ClinVar aggregate classification (germline): Uncertain significance (1 of 4 stars; one submission).

Conditions:
Cardiovascular phenotype. Identifiers: MedGen CN230736.

Submission:

Ambry Genetics
Classification: Uncertain significance for Cardiovascular phenotype. Last evaluated: 2021-08-19. Review status: criteria provided, single submitter. Criteria: Ambry Variant Classification Scheme 2023. Collection method: clinical testing. Allele origin: germline.
Comment: The p.L112V variant (also known as c.334C>G), located in coding exon 2 of the SCN10A gene, results from a C to G substitution at nucleotide position 334. The leucine at codon 112 is replaced by valine, an amino acid with highly similar properties. This amino acid position is conserved. In addition, this alteration is predicted to be tolerated by in silico analysis. Since supporting evidence is limited at this time, the clinical significance of this alteration remains unclear.

NM_006514.4(SCN10A):c.334C>G (p.Leu112Val)

Gene: SCN10A (sodium voltage-gated channel alpha subunit 10; minus strand). Cytogenetic location: 3p22.2.
Variant type: single nucleotide variant.
Coding change: c.334C>G on transcript NM_006514.4 (MANE Select); coding-DNA position 334, C replaced by G.
Protein change: p.Leu112Val; replaces leucine 112 with valine.
Molecular consequence: missense variant.
Genome position (GRCh38, 1-based): chr3:38,792,105, G>C on the plus strand (C>G on the coding strand, the complement: SCN10A is on the minus strand). VCF-style: chr3-38792105-G-C. GRCh37 (hg19) VCF-style: chr3-38833596-G-C.
Other names: c.334C>G, p.Leu112Val (NM_001293306.2, NM_001293307.2); short protein forms L112V.
Identifiers: ClinVar variation 1730497 (VCV001730497.2), dbSNP rs2470895374, ClinGen allele CA352161040.